The following is an entry in ClinVar:

ClinVar aggregate classification (germline): Uncertain significance (1 of 4 stars; one submission).

gnomAD v4.1: 1 of 1,613,958 alleles (0.000062%); highest among the groups gnomAD compares: Admixed American, 0.0017%; no homozygotes.

Submission:

GeneDx
Classification: Uncertain significance. Last evaluated: 2024-09-05. Review status: criteria provided, single submitter. Criteria: GeneDx Variant Classification Process June 2021. Collection method: clinical testing. Allele origin: germline. Affected: yes.
Comment: Not observed at significant frequency in large population cohorts (gnomAD); In silico analysis indicates that this missense variant does not alter protein structure/function; Has not been previously published as pathogenic or benign to our knowledge

NM_173560.4(RFX6):c.2361C>G (p.Ser787Arg)

Gene: RFX6 (regulatory factor X6; plus strand). Cytogenetic location: 6q22.1.
Variant type: single nucleotide variant.
Coding change: c.2361C>G on transcript NM_173560.4 (MANE Select); coding-DNA position 2361, C replaced by G.
Protein change: p.Ser787Arg; replaces serine 787 with arginine.
Molecular consequence: missense variant.
Genome position (GRCh38, 1-based): chr6:116,927,502, C>G. VCF-style: chr6-116927502-C-G. GRCh37 (hg19) VCF-style: chr6-117248665-C-G.
Other names: short protein forms S787R.
Identifiers: ClinVar variation 3767754 (VCV003767754.1).